The following is an entry in ClinVar:

ClinVar aggregate classification (germline): Uncertain significance (1 of 4 stars; one submission).

Conditions:
Hereditary cancer-predisposing syndrome. Also called: Hereditary Cancer Syndrome; Hereditary neoplastic syndrome; Neoplastic Syndromes, Hereditary; Tumor predisposition. Identifiers: Orphanet 140162, MedGen C0027672, MeSH D009386, MONDO:0015356.

Submission:

Ambry Genetics
Classification: Uncertain significance for Hereditary cancer-predisposing syndrome. Last evaluated: 2025-09-05. Review status: criteria provided, single submitter. Criteria: Ambry Variant Classification Scheme 2023. Collection method: clinical testing. Allele origin: germline.
Comment: The p.S340R variant (also known as c.1018A>C), located in coding exon 4 of the ALK gene, results from an A to C substitution at nucleotide position 1018. The serine at codon 340 is replaced by arginine, an amino acid with dissimilar properties. This amino acid position is highly conserved in available vertebrate species. In addition, this alteration is predicted to be tolerated by in silico analysis. Based on the available evidence, the clinical significance of this variant remains unclear.

NM_004304.5(ALK):c.1018A>C (p.Ser340Arg)

Gene: ALK (ALK receptor tyrosine kinase; minus strand). Cytogenetic location: 2p23.2.
Variant type: single nucleotide variant.
Coding change: c.1018A>C on transcript NM_004304.5 (MANE Select); coding-DNA position 1018, A replaced by C.
Protein change: p.Ser340Arg; replaces serine 340 with arginine.
Molecular consequence: missense variant.
Genome position (GRCh38, 1-based): chr2:29,532,051, T>G on the plus strand (A>C on the coding strand, the complement: ALK is on the minus strand). VCF-style: chr2-29532051-T-G. GRCh37 (hg19) VCF-style: chr2-29754917-T-G.
Other names: short protein forms S340R.
Identifiers: ClinVar variation 4273054 (VCV004273054.1).